The following is an entry in ClinVar:

ClinVar aggregate classification (germline): Benign/Likely benign. Review status: criteria provided, multiple submitters, no conflicts (2 of 4 stars). 2 submissions from 2 submitters: Benign (1); Likely benign (1). Last evaluated 2025-03-07.

Conditions:
Pheochromocytoma/paraganglioma syndrome 5. Also called: Paragangliomas 5; SDHA-Related Hereditary Paraganglioma-Pheochromocytoma Syndrome. Identifiers: Orphanet 29072, MedGen C3279992, MONDO:0013602, OMIM 614165.
Mitochondrial complex II deficiency, nuclear type 1. Also called: SUCCINATE CoQ REDUCTASE DEFICIENCY. Identifiers: Orphanet 3208, MedGen C5700310, MONDO:0100294, OMIM 252011.

Submissions (2):

Myriad Genetics, Inc.
Classification: Benign for Pheochromocytoma/paraganglioma syndrome 5. Last evaluated: 2025-03-07. Review status: criteria provided, single submitter. Criteria: Myriad Autosomal Dominant, Autosomal Recessive and X-Linked Classification Criteria (2023). Collection method: clinical testing. Allele origin: unknown.
Comment: This variant is considered benign. This variant is a silent/synonymous amino acid change and it is not expected to impact splicing.

Labcorp Genetics (formerly Invitae), Labcorp
Classification: Likely benign for Pheochromocytoma/paraganglioma syndrome 5; Mitochondrial complex II deficiency, nuclear type 1. Last evaluated: 2022-02-17. Review status: criteria provided, single submitter. Criteria: Invitae Variant Classification Sherloc (09022015). Collection method: clinical testing. Allele origin: germline.

NM_004168.4(SDHA):c.1005G>A (p.Lys335=)

Gene: SDHA (succinate dehydrogenase complex flavoprotein subunit A; plus strand). Cytogenetic location: 5p15.33.
Variant type: single nucleotide variant.
Coding change: c.1005G>A on transcript NM_004168.4 (MANE Select); coding-DNA position 1005, G replaced by A.
Protein change: p.Lys335=; no amino-acid change (lysine 335 retained).
Molecular consequence: synonymous variant.
Genome position (GRCh38, 1-based): chr5:233,586, G>A. VCF-style: chr5-233586-G-A. GRCh37 (hg19) VCF-style: chr5-233701-G-A.
Other names: c.861G>A, p.Lys287= (NM_001294332.2); c.1005G>A, p.Lys335= (NM_001330758.2).
Identifiers: ClinVar variation 963535 (VCV000963535.11), dbSNP rs1735559685, ClinGen allele CA442691705.
Genomic context (GRCh38, chr5:233,586, plus strand): 5'-AGGCATTCTCATTAACAGTCAAGGCGAAAGGTTTATGGAGCGATACGCCCCTGTCGCGAA[G>A]GACCTGGCGTCTAGAGATGTGGTGTCTCGGTCCATGACTCTGGAGATCCGAGAAGGAAGG-3'
Protein context (NP_004159.2, residues 325-345): RFMERYAPVA[Lys335=]DLASRDVVSR